The following is an entry in ClinVar:

ClinVar aggregate classification (germline): Likely benign. Review status: criteria provided, multiple submitters, no conflicts (2 of 4 stars). 4 submissions from 4 submitters: Likely benign (4). Last evaluated 2025-12-20.

Conditions:
Cardiovascular phenotype. Identifiers: MedGen CN230736.
Myofibrillar myopathy 5. Also called: Filaminopathy (type); FILAMINOPATHY, AUTOSOMAL DOMINANT. Identifiers: Orphanet 171445, MedGen C1836050, MONDO:0012289, OMIM 609524.
Distal myopathy with posterior leg and anterior hand involvement. Also called: WILLIAMS DISTAL MYOPATHY. Identifiers: Orphanet 63273, MedGen C3279722, MONDO:0013550, OMIM 614065.
Hypertrophic cardiomyopathy 26. Also called: Cardiomyopathy, familial hypertrophic, 26. Identifiers: Orphanet 75249, MedGen C4310749, MONDO:0014883, OMIM 617047.

Allele frequency attached by ClinVar (database versions not stated): gnomAD exomes 0.00001 and 0.00002; gnomAD 0.00002; ExAC 0.00006.
gnomAD v4.1: 26 of 1,587,986 alleles (0.0016%); highest among the groups gnomAD compares: African/African-American, 0.0054%; no homozygotes.

Submissions (4):

Labcorp Genetics (formerly Invitae), Labcorp
Classification: Likely benign for Distal myopathy with posterior leg and anterior hand involvement; Myofibrillar myopathy 5; Hypertrophic cardiomyopathy 26. Last evaluated: 2025-12-20. Review status: criteria provided, single submitter. Criteria: Invitae Variant Classification Sherloc (09022015). Collection method: clinical testing. Allele origin: germline.

CeGaT Center for Human Genetics Tuebingen
Classification: Likely benign. Last evaluated: 2024-06-01. Review status: criteria provided, single submitter. Criteria: CeGaT Center For Human Genetics Tuebingen Variant Classification Criteria Version 2. Collection method: clinical testing. Allele origin: germline. Affected: yes. Observed: 1 variant allele.
Comment: FLNC: BP4, BP7

Blueprint Genetics
Classification: Likely benign. Last evaluated: 2022-12-30. Review status: criteria provided, single submitter. Criteria: ACMG Guidelines, 2015. Collection method: clinical testing. Allele origin: germline.

Ambry Genetics
Classification: Likely benign for Cardiovascular phenotype. Last evaluated: 2020-08-17. Review status: criteria provided, single submitter. Criteria: Ambry Variant Classification Scheme 2023. Collection method: clinical testing. Allele origin: germline.

NM_001458.5(FLNC):c.7812C>T (p.His2604=)

Genes: FLNC (filamin C; plus strand), FLNC-AS1 (FLNC antisense RNA 1; minus strand). Cytogenetic location: 7q32.1.
Variant type: single nucleotide variant.
Coding change: c.7812C>T on transcript NM_001458.5 (MANE Select); coding-DNA position 7812, C replaced by T.
Protein change: p.His2604=; no amino-acid change (histidine 2604 retained).
Molecular consequence: synonymous variant.
Genome position (GRCh38, 1-based): chr7:128,858,039, C>T. VCF-style: chr7-128858039-C-T. GRCh37 (hg19) VCF-style: chr7-128498093-C-T.
Other names: c.7713C>T, p.His2571= (NM_001127487.2).
Identifiers: ClinVar variation 1533389 (VCV001533389.29), dbSNP rs770653559, ClinGen allele CA4476371.
Genomic context (GRCh38, chr7:128,858,039, plus strand): 5'-GGTTTGTGCCCCCTCCACCCACCCCTCAGGTCCGAGGCTGTCCGGAGGCCACAGCCTTCA[C>T]GAAACATCCACGGTTCTGGTGGAGACTGTGACCAAGTCCTCCTCAAGCCGGGGCTCCAGC-3'
Protein context (NP_001449.3, residues 2594-2614): GPRLSGGHSL[His2604=]ETSTVLVETV